The following is an entry in ClinVar:

NM_018105.3(THAP1):c.86G>A (p.Arg29Gln)

Gene: THAP1 (THAP domain containing 1; minus strand). Cytogenetic location: 8p11.21.
Variant type: single nucleotide variant.
Coding change: c.86G>A on transcript NM_018105.3 (MANE Select); coding-DNA position 86, G replaced by A.
Protein change: p.Arg29Gln; replaces arginine 29 with glutamine.
Molecular consequence: missense variant. On other transcripts: intron variant (1).
Genome position (GRCh38, 1-based): chr8:42,839,367, C>T on the plus strand (G>A on the coding strand, the complement: THAP1 is on the minus strand). VCF-style: chr8-42839367-C-T. GRCh37 (hg19) VCF-style: chr8-42694510-C-T.
Other names: c.72-1031G>A (NM_199003.2); short protein forms R29Q.
Identifiers: ClinVar variation 2684079 (VCV002684079.1), dbSNP rs767952378, ClinGen allele CA4734603.

ClinVar aggregate classification (germline): Likely pathogenic (1 of 4 stars; one submission).

Allele frequency attached by ClinVar (database versions not stated): ExAC 0.00001.

Submission:

Athena Diagnostics
Classification: Likely pathogenic. Last evaluated: 2023-08-16. Review status: criteria provided, single submitter. Criteria: Athena Diagnostics Criteria. Collection method: clinical testing. Allele origin: unknown.
Comment: The frequency of this variant in the general population is consistent with pathogenicity. This variant has been identified in at least one individual with clinical features associated with this gene. Assessment of experimental evidence suggests this variant results in abnormal protein function. (PMID: 21425335, 22844099, 25088175)

Literature cited by the submitters: PubMed 25088175; PubMed 26610312; PubMed 22844099; PubMed 19908320; PubMed 21425335; PubMed 22377579; PubMed 35688632.